The following is an entry in ClinVar:

ClinVar aggregate classification (germline): Uncertain significance. Review status: reviewed by expert panel (3 of 4 stars). 9 submissions from 9 submitters: Uncertain significance (1). 8 of the submissions do not count toward it. Last evaluated 2025-08-01.

Conditions:
RYR1-related disorder. Also called: RYR1-related disorders; RYR1-related condition. Identifiers: MedGen CN239331.
Congenital multicore myopathy with external ophthalmoplegia (CMYO1B). Also called: MULTIMINICORE DISEASE WITH EXTERNAL OPHTHALMOPLEGIA; MULTICORE MYOPATHY; Congenital myopathy 1B, autosomal recessive; Minicore myopathy; Minicore myopathy with external ophthalmoplegia. Identifiers: Orphanet 598, Orphanet 98905, MedGen C1850674, MONDO:0009712, OMIM 255320, HP:0003789.
Central core myopathy (CMYO1A). Also called: CONGENITAL MYOPATHY 1A, AUTOSOMAL DOMINANT, WITH SUSCEPTIBILITY TO MALIGNANT HYPERTHERMIA; Central core disease; Myopathy, central fibrillar. Identifiers: Orphanet 597, MedGen C5830701, MONDO:0007294, OMIM 117000.
King Denborough syndrome (KDS). Identifiers: MedGen C1840365, MONDO:0020485, OMIM 619542.
Congenital myopathy with fiber type disproportion. Also called: Congenital fiber-type disproportion; Congenital fiber-type disproportion myopathy. Identifiers: Orphanet 2020, MedGen C0546264, MONDO:0009711. Inheritance: all.
Malignant hyperthermia, susceptibility to, 1 (MHS1). Also called: Anesthesia related hyperthermia; Malignant hyperpyrexia; Fulminating hyperpyrexia; Pharmacogenic myopathy; RYR1-Related Malignant Hyperthermia Susceptibility; Malignant hyperthermia suceptibility 1. Identifiers: Orphanet 423, MedGen C2930980, MONDO:0007783, OMIM 145600.
Malignant hyperthermia of anesthesia. Also called: Anesthesic-triggered malignant hyperthermia. Identifiers: Orphanet 423, MedGen C0024591, MONDO:0018493, HP:0034733.

Allele frequency attached by ClinVar (database versions not stated): TOPMed 0.00005; gnomAD 0.00007 and 0.00008; gnomAD exomes 0.00019; ExAC 0.00031.
gnomAD v4.1: 190 of 1,559,834 alleles (0.012%); highest among the groups gnomAD compares: Non-Finnish European, 0.0074%; 1 homozygote.

Submissions (9):

ClinGen Malignant Hyperthermia Susceptibility Variant Curation Expert Panel, ClinGen
Classification: Uncertain significance for Malignant hyperthermia of anesthesia. Last evaluated: 2025-08-01. Review status: reviewed by expert panel. Criteria: ClinGen MHS ACMG Specifications V2. Collection method: curation. Allele origin: germline. Inheritance: Autosomal dominant inheritance.
Comment: This pathogenicity assessment is relevant only for malignant hyperthermia susceptibility (MHS) inherited in an autosomal dominant pattern. Variants in RYR1 can also cause other myopathies inherited in an autosomal dominant pattern or in an autosomal recessive pattern. Some of these disorders may predispose individuals to malignant hyperthermia. RYR1 variants may also contribute to a malignant hyperthermia reaction in combination with other genetic and non-genetic factors and the clinician needs to consider such factors in making management decisions. This sequence variant predicts a substitution of arginine with cysteine at codon 1583 of the RYR1 protein, p.(Arg1583Cys). The maximum allele frequency (MAF) for this variant among the six major gnomAD populations is NFE: 0.000122, a frequency consistent with pathogenicity for MHS. However, the MAF in the Finnish population is 0.0014 which is higher than expected for a single pathogenic variant. This variant has been reported in two unrelated individuals who have a personal or family history of a malignant hyperthermia reaction and a positive in vitro contracture test (IVCT) or caffeine halothane contracture test (CHCT) result (if the proband was unavailable for testing, a positive diagnostic test result in a mutation-positive relative was counted); both of these individuals had a other RYR1 variants identified in cis (p.Gly248Arg and p.Glu5034Val, likely pathogenic and VUS, PMID:19346234; p.Val2102Leu, VUS, PMID:23035052). A third individual was identified with this variant and masseter muscle rigidity (PMID:30864471), a precursor to MH. The available case data combined with the high MAF in the NFE and FIN populations in gnomAD does not allow for the use of PS4. This variant segregates with MHS in two families, however, PP1 was not implemented due to the presence of other RYR1 variants in cis (PMID:19346234, PMID:23035052). Functional studies were carried out in B-lymphoblastoid cells from three family members with both the p.Arg1583Cys and p.Val2102Leu RYR1 variants (PMID:23035052). These cells were hypersensitive to agonist compared to wild type cells, however PS3 was not implemented as all cells were from the same family (two or more independent studies are required) and other variants in cis complicated the interpretation. This variant does not reside in a hotspot for pathogenic variants that contribute to MHS. A REVEL score of 0.586 supports neither a pathogenic nor a benign status for this variant. This variant has been classified as a Variant of Unknown Significance. No criteria implemented.

Labcorp Genetics (formerly Invitae), Labcorp
Classification: Uncertain significance for RYR1-related disorder. Last evaluated: 2025-12-16. Review status: criteria provided, single submitter. Criteria: Invitae Variant Classification Sherloc (09022015). Collection method: clinical testing. Allele origin: germline. Not counted in ClinVar's aggregate classification.
Comment: This sequence change replaces arginine, which is basic and polar, with cysteine, which is neutral and slightly polar, at codon 1583 of the RYR1 protein (p.Arg1583Cys). This variant is present in population databases (rs754476250, gnomAD 0.2%). This missense change has been observed in individual(s) with clinical features of RYR1-related conditions (PMID: 19346234, 23035052, 37273706, 37937776). ClinVar contains an entry for this variant (Variation ID: 329032). Invitae Evidence Modeling of protein sequence and biophysical properties (such as structural, functional, and spatial information, amino acid conservation, physicochemical variation, residue mobility, and thermodynamic stability) indicates that this missense variant is not expected to disrupt RYR1 protein function with a negative predictive value of 80%. In summary, the available evidence is currently insufficient to determine the role of this variant in disease. Therefore, it has been classified as a Variant of Uncertain Significance.

Blueprint Genetics
Classification: Uncertain significance. Last evaluated: 2024-09-12. Review status: criteria provided, single submitter. Criteria: ACMG Guidelines, 2015. Collection method: clinical testing. Allele origin: germline. Not counted in ClinVar's aggregate classification.

Women's Health and Genetics/Laboratory Corporation of America, LabCorp
Classification: Uncertain significance. Last evaluated: 2023-12-27. Review status: criteria provided, single submitter. Criteria: LabCorp Variant Classification Summary - May 2015. Collection method: clinical testing. Allele origin: germline. Not counted in ClinVar's aggregate classification.
Comment: Variant summary: RYR1 c.4747C>T (p.Arg1583Cys) results in a non-conservative amino acid change in the encoded protein sequence. Four of five in-silico tools predict a damaging effect of the variant on protein function. The variant allele was found at a frequency of 0.00019 in 166432 control chromosomes (gnomAD). The observed variant frequency is approximately 2.2 fold of the estimated maximal expected allele frequency for a pathogenic variant in RYR1 causing Malignant Hyperthermia Susceptibility phenotype (8.8e-05), strongly suggesting that the variant is benign. c.4747C>T has been reported in the literature in individuals affected with Malignant Hyperthermia Susceptibility or Hypotonia without strong evidence of causality (e.g. Broman_2009, Schiemann_2013, Hudig_2019, Ek_2023). These reports do not provide unequivocal conclusions about association of the variant with Malignant Hyperthermia Susceptibility. Co-occurrence with another pathogenic variant was reported in affected individuals in one of these families (RYR1, p.Gly248Arg, Broman_2009), providing supporting evidence for a benign role. To our knowledge, no experimental evidence demonstrating an impact on protein function has been reported. The following publications have been ascertained in the context of this evaluation (PMID: 19346234, 23035052, 30864471, 37510298, 37273706). Seven submitters have cited clinical-significance assessments for this variant to ClinVar after 2014. Six submitters classified it as uncertain significance, including a ClinGen expert panel, and one classified it as likely benign. Based on the evidence outlined above, the variant was classified as uncertain significance.

Color Diagnostics, LLC DBA Color Health
Classification: Likely benign for Malignant hyperthermia, susceptibility to, 1. Last evaluated: 2023-02-23. Review status: criteria provided, single submitter. Criteria: ACMG Guidelines, 2015. Collection method: clinical testing. Allele origin: germline. Not counted in ClinVar's aggregate classification.

Fulgent Genetics
Classification: Uncertain significance for Central core myopathy; Malignant hyperthermia, susceptibility to, 1; Congenital myopathy 4A, autosomal dominant; Congenital multicore myopathy with external ophthalmoplegia; King Denborough syndrome. Last evaluated: 2021-08-10. Review status: criteria provided, single submitter. Criteria: ACMG Guidelines, 2015. Collection method: clinical testing. Allele origin: unknown. Not counted in ClinVar's aggregate classification.

Athena Diagnostics
Classification: Uncertain significance. Last evaluated: 2019-12-30. Review status: criteria provided, single submitter. Criteria: Athena Diagnostics Criteria. Collection method: clinical testing. Allele origin: unknown. Not counted in ClinVar's aggregate classification.

Revvity Omics, Revvity
Classification: Uncertain significance. Last evaluated: 2019-07-22. Review status: criteria provided, single submitter. Criteria: ACMG Guidelines, 2015. Collection method: clinical testing. Allele origin: germline. Not counted in ClinVar's aggregate classification.

PreventionGenetics, part of Exact Sciences
Classification: Uncertain significance. Last evaluated: 2015-08-18. Review status: criteria provided, single submitter. Criteria: ACMG Guidelines, 2015. Collection method: clinical testing. Allele origin: germline. Not counted in ClinVar's aggregate classification.

Literature cited by the submitters: PubMed 19346234 (cited by 3 submitters); PubMed 23035052 (cited by 3 submitters); PubMed 37273706 (cited by Labcorp Genetics (formerly Invitae), Labcorp and Women's Health and Genetics/Laboratory Corporation of America, LabCorp); PubMed 37937776 (cited by Labcorp Genetics (formerly Invitae), Labcorp); PubMed 30864471 (cited by Women's Health and Genetics/Laboratory Corporation of America, LabCorp); PubMed 37510298 (cited by Women's Health and Genetics/Laboratory Corporation of America, LabCorp).

NM_000540.3(RYR1):c.4747C>T (p.Arg1583Cys)

Gene: RYR1 (ryanodine receptor 1; plus strand). Cytogenetic location: 19q13.2.
Variant type: single nucleotide variant.
Coding change: c.4747C>T on transcript NM_000540.3 (MANE Select); coding-DNA position 4747, C replaced by T.
Protein change: p.Arg1583Cys; replaces arginine 1583 with cysteine.
Molecular consequence: missense variant.
Genome position (GRCh38, 1-based): chr19:38,483,329, C>T. VCF-style: chr19-38483329-C-T. GRCh37 (hg19) VCF-style: chr19-38973969-C-T.
Other names: NM_000540.2(RYR1):c.4747C>T; p.Arg1583Cys; c.4747C>T, p.Arg1583Cys (NM_001042723.2); short protein forms R1583C.
Identifiers: ClinVar variation 329032 (VCV000329032.18), dbSNP rs754476250, ClinGen allele CA081610.
Genomic context (GRCh38, chr19:38,483,329, plus strand): 5'-TGTGTGTCTCTCTGCCCTCAGAACATCATGCCGTTGTCAGCCGCCATGTTCCAAAGCGAG[C>T]GCAAGAACCCGGCCCCGCAGTGCCCACCGCGGCTGGAGATGCAGATGCTGATGCCAGTGT-3'
Protein context (NP_000531.2, residues 1573-1593): PLSAAMFQSE[Arg1583Cys]KNPAPQCPPR